The following is an entry in ClinVar:

ClinVar aggregate classification (germline): Benign. Review status: criteria provided, multiple submitters, no conflicts (2 of 4 stars). 10 submissions from 9 submitters: Benign (8). 2 of the submissions do not count toward it. Last evaluated 2026-02-04.

Conditions:
Van Maldergem syndrome 2 (VMLDS2). Identifiers: Orphanet 314679, MedGen C3809875, MONDO:0014242, OMIM 615546.
Hennekam lymphangiectasia-lymphedema syndrome 2 (HKLLS2). Identifiers: Orphanet 2136, MedGen C4014939, MONDO:0014454, OMIM 616006.

Allele frequency attached by ClinVar (database versions not stated): TOPMed 0.46303; ESP Exome Variant Server 0.46408; gnomAD 0.46652 and 0.45982; 1000 Genomes Project 0.42412; 1000 Genomes Project 30x 0.43301.
gnomAD v4.1: 706,743 of 1,613,752 alleles (44%); highest among the groups gnomAD compares: African/African-American, 57%; 157,577 homozygotes.

Submissions (10):

Labcorp Genetics (formerly Invitae), Labcorp
Classification: Benign. Last evaluated: 2026-02-04. Review status: criteria provided, single submitter. Criteria: Invitae Variant Classification Sherloc (09022015). Collection method: clinical testing. Allele origin: germline.

Blueprint Genetics
Classification: Benign. Last evaluated: 2024-11-26. Review status: criteria provided, single submitter. Criteria: ACMG Guidelines, 2015. Collection method: clinical testing. Allele origin: germline.

Unidad de Genómica Garrahan, Hospital de Pediatría Garrahan
Classification: Benign. Last evaluated: 2024-01-24. Review status: criteria provided, single submitter. Criteria: ACMG Guidelines, 2015. Collection method: clinical testing. Allele origin: germline. Affected: no. Observed: 63 variant alleles.
Comment: This variant is classified as Benign based on local population frequency. This variant was detected in 66% of patients studied by a panel of primary immunodeficiencies. Number of patients: 63. Only high quality variants are reported.

Genome-Nilou Lab
Classification: Benign for Hennekam lymphangiectasia-lymphedema syndrome 2. Last evaluated: 2021-08-10. Review status: criteria provided, single submitter. Criteria: ACMG Guidelines, 2015. Collection method: clinical testing. Allele origin: germline. Affected: no.

Genome-Nilou Lab
Classification: Benign for Van Maldergem syndrome 2. Last evaluated: 2021-08-10. Review status: criteria provided, single submitter. Criteria: ACMG Guidelines, 2015. Collection method: clinical testing. Allele origin: germline. Affected: no.

Laboratory for Molecular Medicine, Mass General Brigham Personalized Medicine
Classification: Benign. Last evaluated: 2016-03-29. Review status: criteria provided, single submitter. Criteria: LMM Criteria. Collection method: clinical testing. Allele origin: germline.
Comment: Variant identified in a genome or exome case(s) and assessed due to predicted null impact of the variant or pathogenic assertions in the literature or databases. Disclaimer: This variant has not undergone full assessment. The following are preliminary notes: 42% of total chromosomes in ExAC

GeneDx
Classification: Benign. Last evaluated: 2016-01-11. Review status: criteria provided, single submitter. Criteria: GeneDx Variant Classification (06012015). Collection method: clinical testing. Allele origin: germline. Affected: yes.
Comment: This variant is considered likely benign or benign based on one or more of the following criteria: it is a conservative change, it occurs at a poorly conserved position in the protein, it is predicted to be benign by multiple in silico algorithms, and/or has population frequency not consistent with disease.

Breakthrough Genomics
Classification: Benign. Review status: criteria provided, single submitter. Criteria: ACMG Guidelines, 2015. Collection method: not provided. Allele origin: germline. Inheritance: Autosomal recessive inheritance. Affected: yes.

Clinical Genetics DNA and cytogenetics Diagnostics Lab, Erasmus MC, Erasmus Medical Center
Classification: Benign. Review status: no assertion criteria provided. Collection method: clinical testing. Allele origin: germline. Affected: yes. Study: VKGL Data-share Consensus. Not counted in ClinVar's aggregate classification.

Clinical Genetics, Academic Medical Center
Classification: Benign. Review status: no assertion criteria provided. Collection method: clinical testing. Allele origin: germline. Affected: yes. Study: VKGL Data-share Consensus. Not counted in ClinVar's aggregate classification.

NM_001291303.3(FAT4):c.2420C>T (p.Ala807Val)

Gene: FAT4 (FAT atypical cadherin 4; plus strand). Cytogenetic location: 4q28.1.
Variant type: single nucleotide variant.
Coding change: c.2420C>T on transcript NM_001291303.3 (MANE Select); coding-DNA position 2420, C replaced by T.
Protein change: p.Ala807Val; replaces alanine 807 with valine.
Molecular consequence: missense variant.
Genome position (GRCh38, 1-based): chr4:125,318,831, C>T. VCF-style: chr4-125318831-C-T. GRCh37 (hg19) VCF-style: chr4-126239986-C-T.
Other names: c.2420C>T, p.Ala807Val (NM_001291285.3, NM_024582.6); short protein forms A807V.
Identifiers: ClinVar variation 380329 (VCV000380329.19), dbSNP rs1039808, ClinGen allele CA3072165.